The following is an entry in ClinVar:

ClinVar aggregate classification (germline): Uncertain significance (1 of 4 stars; one submission).

Conditions:
Cardiovascular phenotype. Identifiers: MedGen CN230736.
Hereditary cancer-predisposing syndrome. Also called: Neoplastic Syndromes, Hereditary; Tumor predisposition; Hereditary neoplastic syndrome; Hereditary Cancer Syndrome. Identifiers: Orphanet 140162, MedGen C0027672, MeSH D009386, MONDO:0015356.

Submission:

Ambry Genetics
Classification: Uncertain significance for Cardiovascular phenotype; Hereditary cancer-predisposing syndrome. Last evaluated: 2026-09-01. Review status: criteria provided, single submitter. Criteria: Ambry Variant Classification Scheme 2023. Collection method: clinical testing. Allele origin: germline.
Comment: The c.1439_1444dupAACCTA variant (also known as p.K480_P481dup), located in coding exon 13 of the NF1 gene, results from an in-frame duplication of AACCTA at nucleotide positions 1439 to 1444. This results in the duplication of 2 extra residues (KP) between codons 480 and 481. These amino acid positions are well conserved in available vertebrate species. In addition, the in silico prediction for this variant is inconclusive (Choi Y et al. PLoS ONE. 2012; 7(10):e46688). Based on the available evidence, the clinical significance of this variant remains unclear.

NM_001042492.3(NF1):c.1439_1444dup (p.Pro481_Thr482insLysPro)

Gene: NF1 (neurofibromin 1; plus strand). Cytogenetic location: 17q11.2.
Variant type: Duplication.
Coding change: c.1439_1444dup on transcript NM_001042492.3 (MANE Select); coding-DNA positions 1439 to 1444, 6 bases duplicated (AACCTA; older notation c.1439_1444dupAACCTA).
Protein change: p.Pro481_Thr482insLysPro.
Molecular consequence: inframe indel (on NM_000267.3).
Genome position (GRCh38, 1-based): chr17:31,214,497-31,214,502, AACCTA duplicated; duplicating any 6 consecutive bases within chr17:31,214,496-31,214,502 gives the same sequence; the c. name uses the placement nearest the transcript's 3' end. VCF-style (leftmost placement, unchanged base first): chr17-31214495-A-AAAACCT. GRCh37 (hg19) VCF-style: chr17-29541513-A-AAAACCT.
Other names: c.1439_1444dup, p.Pro481_Thr482insLysPro (NM_000267.4, NM_001128147.3); c.1439_1444dupAACCTA (NM_000267.3).
Identifiers: ClinVar variation 5025649 (VCV005025649.1).